The following is an entry in ClinVar:

NM_005751.5(AKAP9):c.4995G>T (p.Gln1665His)

Genes: AKAP9 (A-kinase anchoring protein 9; plus strand), LOC121175350 (Sharpr-MPRA regulatory region 2641; plus strand). Cytogenetic location: 7q21.2.
Variant type: single nucleotide variant.
Coding change: c.4995G>T on transcript NM_005751.5 (MANE Select); coding-DNA position 4995, G replaced by T.
Protein change: p.Gln1665His; replaces glutamine 1665 with histidine.
Molecular consequence: missense variant.
Genome position (GRCh38, 1-based): chr7:92,042,123, G>T. VCF-style: chr7-92042123-G-T. GRCh37 (hg19) VCF-style: chr7-91671437-G-T.
Other names: c.4995G>T, p.Gln1665His (NM_147185.3); short protein forms Q1665H.
Identifiers: ClinVar variation 1718010 (VCV001718010.5), dbSNP rs2484820748, ClinGen allele CA368130051.
Genomic context (GRCh38, chr7:92,042,123, plus strand): 5'-TGAAAACCTGGTTTCAGAGAGAGAGAGGGTGCTTTTAGAGGAGCTGGAAGCACTAAAGCA[G>T]CTGTCTTTAGCTGGAAGAGAGAAGCTGTGTTGTGAGCTGCGCAACAGCAGTACGCAAACA-3'
Protein context (NP_005742.4, residues 1655-1675): VLLEELEALK[Gln1665His]LSLAGREKLC

ClinVar aggregate classification (germline): Uncertain significance (1 of 4 stars; one submission).

Conditions:
Long QT syndrome (LQTS). Identifiers: MedGen C0023976, MeSH D008133, MONDO:0002442. Disease mechanism: loss of function. Inheritance: Various modes of inheritance.

Submission:

Labcorp Genetics (formerly Invitae), Labcorp
Classification: Uncertain significance for Long QT syndrome. Last evaluated: 2022-08-25. Review status: criteria provided, single submitter. Criteria: Invitae Variant Classification Sherloc (09022015). Collection method: clinical testing. Allele origin: germline.
Comment: In summary, the available evidence is currently insufficient to determine the role of this variant in disease. Therefore, it has been classified as a Variant of Uncertain Significance. Algorithms developed to predict the effect of missense changes on protein structure and function are either unavailable or do not agree on the potential impact of this missense change (SIFT: "Tolerated"; PolyPhen-2: "Probably Damaging"; Align-GVGD: "Class C0"). This variant has not been reported in the literature in individuals affected with AKAP9-related conditions. This variant is not present in population databases (gnomAD no frequency). This sequence change replaces glutamine, which is neutral and polar, with histidine, which is basic and polar, at codon 1665 of the AKAP9 protein (p.Gln1665His).